The following is an entry in ClinVar:

ClinVar aggregate classification (germline): Uncertain significance (1 of 4 stars; one submission).

Conditions:
Hereditary cancer-predisposing syndrome. Also called: Neoplastic Syndromes, Hereditary; Tumor predisposition; Hereditary neoplastic syndrome; Hereditary Cancer Syndrome. Identifiers: Orphanet 140162, MedGen C0027672, MeSH D009386, MONDO:0015356.

Submission:

Ambry Genetics
Classification: Uncertain significance for Hereditary cancer-predisposing syndrome. Last evaluated: 2026-07-20. Review status: criteria provided, single submitter. Criteria: Ambry Variant Classification Scheme 2023. Collection method: clinical testing. Allele origin: germline.
Comment: The p.L1105S variant (also known as c.3314T>C), located in coding exon 19 of the BRIP1 gene, results from a T to C substitution at nucleotide position 3314. The leucine at codon 1105 is replaced by serine, an amino acid with dissimilar properties. This amino acid position is conserved. In addition, this alteration is predicted to be tolerated by in silico analysis. Based on the available evidence, the clinical significance of this variant remains unclear.

NM_032043.3(BRIP1):c.3314T>C (p.Leu1105Ser)

Gene: BRIP1 (BRCA1 interacting DNA helicase 1; minus strand). Cytogenetic location: 17q23.2.
Variant type: single nucleotide variant.
Coding change: c.3314T>C on transcript NM_032043.3 (MANE Select); coding-DNA position 3314, T replaced by C.
Protein change: p.Leu1105Ser; replaces leucine 1105 with serine.
Molecular consequence: missense variant.
Genome position (GRCh38, 1-based): chr17:61,683,732, A>G on the plus strand (T>C on the coding strand, the complement: BRIP1 is on the minus strand). VCF-style: chr17-61683732-A-G. GRCh37 (hg19) VCF-style: chr17-59761093-A-G.
Other names: short protein forms L1105S.
Identifiers: ClinVar variation 5033432 (VCV005033432.1).